The following is an entry in ClinVar:

NM_006846.4(SPINK5):c.1732C>T (p.Arg578Ter)

Gene: SPINK5 (serine peptidase inhibitor Kazal type 5; plus strand). Cytogenetic location: 5q32.
Variant type: single nucleotide variant.
Coding change: c.1732C>T on transcript NM_006846.4 (MANE Select); coding-DNA position 1732, C replaced by T.
Protein change: p.Arg578Ter; replaces arginine 578 with a stop codon.
Molecular consequence: nonsense.
Genome position (GRCh38, 1-based): chr5:148,111,807, C>T. VCF-style: chr5-148111807-C-T. GRCh37 (hg19) VCF-style: chr5-147491370-C-T.
Other names: c.1732C>T, p.Arg578Ter (NM_001127698.2, NM_001127699.2); c.1732C>T (NM_006846.3); short protein forms R578*.
Identifiers: ClinVar variation 1456666 (VCV001456666.11), dbSNP rs201674667, ClinGen allele CA3495721.

ClinVar aggregate classification (germline): Pathogenic. Review status: criteria provided, multiple submitters, no conflicts (2 of 4 stars). 4 submissions from 4 submitters: Pathogenic (4). Last evaluated 2025-05-22.

Conditions:
Netherton syndrome (NETH). Also called: NETHERTON DISEASE; ERYTHRODERMA, ICHTHYOSIFORM, WITH HYPOTRICHOSIS AND HYPER-IgE; COMEL-NETHERTON SYNDROME. Identifiers: Orphanet 634, MedGen C5574950, MONDO:0009735, OMIM 256500.
SPINK5-related disorder. Also called: SPINK5-related condition.
Ichthyosis linearis circumflexa. Identifiers: MedGen C0265962, MONDO:0043106, HP:0025810.

gnomAD v4.1: 21 of 1,613,866 alleles (0.0013%); highest among the groups gnomAD compares: East Asian, 0.0045%; no homozygotes.

Submissions (4):

GeneDx
Classification: Pathogenic. Last evaluated: 2025-05-22. Review status: criteria provided, single submitter. Criteria: GeneDx Variant Classification Process June 2021. Collection method: clinical testing. Allele origin: germline. Affected: yes.
Comment: Nonsense variant predicted to result in protein truncation or nonsense mediated decay in a gene for which loss of function is a known mechanism of disease; This variant is associated with the following publications: (PMID: 23802543, 25525159, 27905021, 22588119, 24042343, 16601670, 33534181, 34671977, 11511292, 26997095, 36159989)

Labcorp Genetics (formerly Invitae), Labcorp
Classification: Pathogenic for Ichthyosis linearis circumflexa. Last evaluated: 2025-05-04. Review status: criteria provided, single submitter. Criteria: Invitae Variant Classification Sherloc (09022015). Collection method: clinical testing. Allele origin: germline.
Comment: This sequence change creates a premature translational stop signal (p.Arg578*) in the SPINK5 gene. It is expected to result in an absent or disrupted protein product. Loss-of-function variants in SPINK5 are known to be pathogenic (PMID: 11511292, 11841556). This variant is present in population databases (rs201674667, gnomAD 0.01%). This premature translational stop signal has been observed in individual(s) with Netherton syndrome (PMID: 16601670, 24042343). ClinVar contains an entry for this variant (Variation ID: 1456666). Algorithms developed to predict the effect of sequence changes on RNA splicing suggest that this variant may disrupt the consensus splice site. For these reasons, this variant has been classified as Pathogenic.

3billion
Classification: Pathogenic for Netherton syndrome. Last evaluated: 2023-10-05. Review status: criteria provided, single submitter. Criteria: ACMG Guidelines, 2015. Collection method: clinical testing. Allele origin: germline. Affected: yes.
Comment: The variant is observed at an extremely low frequency in the gnomAD v2.1.1 dataset (total allele frequency: 0.004%). Predicted Consequence/Location: Stop-gained (nonsense): predicted to result in a loss or disruption of normal protein function through nonsense-mediated decay (NMD) or protein truncation. Multiple pathogenic variants are reported downstream of the variant. The variant has been reported at least twice as pathogenic without evidence for the classification (ClinVar ID: VCV001456666 /PMID: 16601670). Therefore, this variant is classified as Pathogenic according to the recommendation of ACMG/AMP guideline.

Blueprint Genetics
Classification: Pathogenic for SPINK5-related disorders. Last evaluated: 2022-09-30. Review status: criteria provided, single submitter. Criteria: ACMG Guidelines, 2015. Collection method: clinical testing. Allele origin: germline. Affected: yes. Observed: 5 variant alleles.

Literature cited by the submitters: PubMed 11511292 (cited by Labcorp Genetics (formerly Invitae), Labcorp); PubMed 11841556 (cited by Labcorp Genetics (formerly Invitae), Labcorp); PubMed 16601670 (cited by Labcorp Genetics (formerly Invitae), Labcorp and 3billion); PubMed 24042343 (cited by Labcorp Genetics (formerly Invitae), Labcorp).